The following is an entry in ClinVar:

ClinVar aggregate classification (germline): Uncertain significance. Review status: criteria provided, multiple submitters, no conflicts (2 of 4 stars). 2 submissions from 2 submitters: Uncertain significance (2). Last evaluated 2024-08-28.

Conditions:
Dyskeratosis congenita, autosomal recessive 6 (DKCB6). Identifiers: MedGen C4225356, MONDO:0014600, OMIM 616353.
Pulmonary fibrosis and/or bone marrow failure, Telomere-related, 4. Also called: PULMONARY FIBROSIS AND/OR BONE MARROW FAILURE SYNDROME, TELOMERE-RELATED, 4. Identifiers: Orphanet 2032, MedGen C4225347, MONDO:0014612, OMIM 616371.

Allele frequency attached by ClinVar (database versions not stated): gnomAD 0.00001; TOPMed 0.00001; gnomAD exomes 0.00002; ExAC 0.00003; 1000 Genomes Project 0.00020; 1000 Genomes Project 30x 0.00031.
gnomAD v4.1: 32 of 1,607,002 alleles (0.002%); highest among the groups gnomAD compares: Non-Finnish European, 0.0026%; no homozygotes.

Submissions (2):

Labcorp Genetics (formerly Invitae), Labcorp
Classification: Uncertain significance for Dyskeratosis congenita, autosomal recessive 6; Pulmonary fibrosis and/or bone marrow failure, Telomere-related, 4. Last evaluated: 2024-08-28. Review status: criteria provided, single submitter. Criteria: Invitae Variant Classification Sherloc (09022015). Collection method: clinical testing. Allele origin: germline.
Comment: This sequence change replaces lysine, which is basic and polar, with glutamic acid, which is acidic and polar, at codon 359 of the PARN protein (p.Lys359Glu). This variant is present in population databases (rs192893173, gnomAD 0.004%). This variant has not been reported in the literature in individuals affected with PARN-related conditions. ClinVar contains an entry for this variant (Variation ID: 2154546). Invitae Evidence Modeling of protein sequence and biophysical properties (such as structural, functional, and spatial information, amino acid conservation, physicochemical variation, residue mobility, and thermodynamic stability) indicates that this missense variant is not expected to disrupt PARN protein function with a negative predictive value of 80%. In summary, the available evidence is currently insufficient to determine the role of this variant in disease. Therefore, it has been classified as a Variant of Uncertain Significance.

Blueprint Genetics
Classification: Uncertain significance. Last evaluated: 2022-09-07. Review status: criteria provided, single submitter. Criteria: ACMG Guidelines, 2015. Collection method: clinical testing. Allele origin: germline.

NM_002582.4(PARN):c.1075A>G (p.Lys359Glu)

Gene: PARN (poly(A)-specific ribonuclease; minus strand). Cytogenetic location: 16p13.12.
Variant type: single nucleotide variant.
Coding change: c.1075A>G on transcript NM_002582.4 (MANE Select); coding-DNA position 1075, A replaced by G.
Protein change: p.Lys359Glu; replaces lysine 359 with glutamic acid.
Molecular consequence: missense variant.
Genome position (GRCh38, 1-based): chr16:14,584,353, T>C on the plus strand (A>G on the coding strand, the complement: PARN is on the minus strand). VCF-style: chr16-14584353-T-C. GRCh37 (hg19) VCF-style: chr16-14678210-T-C.
Other names: c.892A>G, p.Lys298Glu (NM_001134477.3); c.937A>G, p.Lys313Glu (NM_001242992.2); short protein forms K359E, K313E, K298E.
Identifiers: ClinVar variation 2154546 (VCV002154546.5), dbSNP rs192893173, ClinGen allele CA7912174.